The following is an entry in ClinVar:

NM_001744.6(CAMK4):c.928A>G (p.Met310Val)

Gene: CAMK4 (calcium/calmodulin dependent protein kinase IV; plus strand). Cytogenetic location: 5q22.1.
Variant type: single nucleotide variant.
Coding change: c.928A>G on transcript NM_001744.6 (MANE Select); coding-DNA position 928, A replaced by G.
Protein change: p.Met310Val; replaces methionine 310 with valine.
Molecular consequence: missense variant.
Genome position (GRCh38, 1-based): chr5:111,482,884, A>G. VCF-style: chr5-111482884-A-G. GRCh37 (hg19) VCF-style: chr5-110818582-A-G.
Other names: c.928A>G, p.Met310Val (NM_001323374.2, NM_001323375.2); c.337A>G, p.Met113Val (NM_001323376.2, NM_001323377.2); short protein forms M113V, M310V.
Identifiers: ClinVar variation 4855315 (VCV004855315.1).

ClinVar aggregate classification (germline): Uncertain significance (1 of 4 stars; one submission).

Conditions:
CAMK4-related disorder.

Submission:

3billion
Classification: Uncertain significance for CAMK4-related disorder. Last evaluated: 2025-08-05. Review status: criteria provided, single submitter. Criteria: ACMG Guidelines, 2015. Collection method: clinical testing. Allele origin: germline. Affected: yes.
Comment: The variant is not observed in the gnomAD v4.1.0 dataset. Predicted Consequence/Location: Missense variant A different missense change at the same codon (p.Met310Thr) has been reported to be associated with CAMK4-related disorder (ClinVar ID: VCV002507053). However the evidence of pathogenicity is insufficient at this time. Therefore, this variant is classified as VUS according to the recommendation of ACMG/AMP guideline.